The following is an entry in ClinVar:

ClinVar aggregate classification (germline): Pathogenic/Likely pathogenic. Review status: criteria provided, multiple submitters, no conflicts (2 of 4 stars). 5 submissions from 5 submitters: Pathogenic (3); Likely pathogenic (2). Last evaluated 2026-06-19.

Conditions:
Hypertrophic cardiomyopathy 26. Also called: Cardiomyopathy, familial hypertrophic, 26. Identifiers: Orphanet 75249, MedGen C4310749, MONDO:0014883, OMIM 617047.
Distal myopathy with posterior leg and anterior hand involvement. Also called: WILLIAMS DISTAL MYOPATHY. Identifiers: Orphanet 63273, MedGen C3279722, MONDO:0013550, OMIM 614065.
Myofibrillar myopathy 5. Also called: Filaminopathy (type); FILAMINOPATHY, AUTOSOMAL DOMINANT. Identifiers: Orphanet 171445, MedGen C1836050, MONDO:0012289, OMIM 609524.
FLNC-related disorder. Also called: FLNC-related condition; FLNC-related disorders.
Primary familial dilated cardiomyopathy (FDC). Also called: Familial dilated cardiomyopathy; Hypokinetic dilated cardiomyopathy, familial. Identifiers: Orphanet 217607, MedGen C0340427, MONDO:0016333.

Allele frequency attached by ClinVar (database versions not stated): gnomAD exomes below 0.00001.
gnomAD v4.1: 1 of 1,613,822 alleles (0.000062%); highest among the groups gnomAD compares: Non-Finnish European, 0.000085%; no homozygotes.

Submissions (5):

MVZ Martinsried, Medicover Genetics
Classification: Pathogenic for Hypertrophic cardiomyopathy 26. Last evaluated: 2026-06-19. Review status: criteria provided, single submitter. Criteria: ClinGen Variant Curation SOP V3.2 + Classification Guidance July2025. Collection method: clinical testing. Allele origin: unknown. Affected: yes. Observed: 1 heterozygote.

Labcorp Genetics (formerly Invitae), Labcorp
Classification: Pathogenic for Distal myopathy with posterior leg and anterior hand involvement; Myofibrillar myopathy 5; Hypertrophic cardiomyopathy 26. Last evaluated: 2023-06-20. Review status: criteria provided, single submitter. Criteria: Invitae Variant Classification Sherloc (09022015). Collection method: clinical testing. Allele origin: germline.
Comment: This sequence change creates a premature translational stop signal (p.Gln1315*) in the FLNC gene. It is expected to result in an absent or disrupted protein product. Loss-of-function variants in FLNC are known to be pathogenic (PMID: 27908349). This variant is not present in population databases (gnomAD no frequency). This premature translational stop signal has been observed in individual(s) with peripartum cardiomyopathy (PMID: 33874732). ClinVar contains an entry for this variant (Variation ID: 1710103). For these reasons, this variant has been classified as Pathogenic.

Center for Human Genetics, University of Leuven
Classification: Pathogenic for Primary familial dilated cardiomyopathy. Last evaluated: 2021-12-24. Review status: criteria provided, single submitter. Criteria: ACMG Guidelines, 2015. Collection method: clinical testing. Allele origin: inherited. Affected: yes. Observed: 3 variant alleles.

Blueprint Genetics
Classification: Likely pathogenic for FLNC-related disorders. Last evaluated: 2020-08-03. Review status: criteria provided, single submitter. Criteria: ACMG Guidelines, 2015. Collection method: clinical testing. Allele origin: germline. Affected: yes. Observed: 1 variant allele.

Juno Genomics, Hangzhou Juno Genomics, Inc
Classification: Likely pathogenic for Myofibrillar myopathy 5; Hypertrophic cardiomyopathy 26. Review status: criteria provided, single submitter. Criteria: ACMG Guidelines, 2015. Collection method: clinical testing. Allele origin: germline.
Comment: Absent from controls (or at extremely low frequency if recessive) in Genome Aggregation Database.;Null variant in a gene where loss of function (LOF) is a known mechanism of disease.

Literature cited by the submitters: PubMed 27908349 (cited by Labcorp Genetics (formerly Invitae), Labcorp); PubMed 33874732 (cited by Labcorp Genetics (formerly Invitae), Labcorp).

NM_001458.5(FLNC):c.3943C>T (p.Gln1315Ter)

Gene: FLNC (filamin C; plus strand). Cytogenetic location: 7q32.1.
Variant type: single nucleotide variant.
Coding change: c.3943C>T on transcript NM_001458.5 (MANE Select); coding-DNA position 3943, C replaced by T.
Protein change: p.Gln1315Ter; replaces glutamine 1315 with a stop codon.
Molecular consequence: nonsense.
Genome position (GRCh38, 1-based): chr7:128,846,142, C>T. VCF-style: chr7-128846142-C-T. GRCh37 (hg19) VCF-style: chr7-128486196-C-T.
Other names: c.3943C>T, p.Gln1315Ter (NM_001127487.2); short protein forms Q1315*.
Identifiers: ClinVar variation 1710103 (VCV001710103.8), dbSNP rs2536641165, ClinGen allele CA369198776.